The following is an entry in ClinVar:

ClinVar aggregate classification (germline): Uncertain significance. Review status: criteria provided, multiple submitters, no conflicts (2 of 4 stars). 2 submissions from 2 submitters: Uncertain significance (2). Last evaluated 2026-03-24.

Conditions:
FHOD3-related disorder. Also called: FHOD3-related condition.
Inborn genetic diseases. Identifiers: MedGen C0950123, MeSH D030342.

Allele frequency attached by ClinVar (database versions not stated): gnomAD 0.00001; ExAC 0.00002; TOPMed 0.00025.
gnomAD v4.1: 33 of 1,613,678 alleles (0.002%); highest among the groups gnomAD compares: South Asian, 0.0011%; no homozygotes.

Submissions (2):

PreventionGenetics, part of Exact Sciences
Classification: Uncertain significance for FHOD3-related condition. Last evaluated: 2026-03-24. Review status: criteria provided, single submitter. Criteria: ACMG Guidelines, 2015. Collection method: clinical testing. Allele origin: germline.
Comment: The FHOD3 c.4018G>A variant is predicted to result in the amino acid substitution p.Gly1340Arg. To our knowledge, this variant has not been reported in the literature. This variant is reported in 0.0040% of alleles in individuals of African descent in gnomAD. At this time, the clinical significance of this variant is uncertain due to the absence of conclusive functional and genetic evidence.

Ambry Genetics
Classification: Uncertain significance for Inborn genetic diseases. Last evaluated: 2024-03-20. Review status: criteria provided, single submitter. Criteria: Ambry Variant Classification Scheme 2023. Collection method: clinical testing. Allele origin: germline.

NM_001281740.3(FHOD3):c.4018G>A (p.Gly1340Arg)

Gene: FHOD3 (formin homology 2 domain containing 3; plus strand). Cytogenetic location: 18q12.2.
Variant type: single nucleotide variant.
Coding change: c.4018G>A on transcript NM_001281740.3 (MANE Select); coding-DNA position 4018, G replaced by A.
Protein change: p.Gly1340Arg; replaces glycine 1340 with arginine.
Molecular consequence: missense variant.
Genome position (GRCh38, 1-based): chr18:36,744,170, G>A. VCF-style: chr18-36744170-G-A. GRCh37 (hg19) VCF-style: chr18-34324133-G-A.
Other names: c.3442G>A, p.Gly1148Arg (NM_001281739.3); c.3493G>A, p.Gly1165Arg (NM_025135.5); c.4018G>A (NM_001281740.2); short protein forms G1165R, G1340R, G1148R.
Identifiers: ClinVar variation 2350171 (VCV002350171.3), dbSNP rs778305842, ClinGen allele CA8942245.